The following is an entry in ClinVar:

ClinVar aggregate classification (germline): Uncertain significance (1 of 4 stars; one submission).

Conditions:
Cohen syndrome (COH1). Also called: PEPPER SYNDROME; Cutis verticis gyrata, retinitis pigmentosa, and sensorineural deafness. Identifiers: Orphanet 193, MedGen C0265223, MONDO:0008999, OMIM 216550.

Submission:

Labcorp Genetics (formerly Invitae), Labcorp
Classification: Uncertain significance for Cohen syndrome. Last evaluated: 2020-09-07. Review status: criteria provided, single submitter. Criteria: Invitae Variant Classification Sherloc (09022015). Collection method: clinical testing. Allele origin: germline.
Comment: This sequence change replaces isoleucine with threonine at codon 1937 of the VPS13B protein (p.Ile1937Thr). The isoleucine residue is weakly conserved and there is a moderate physicochemical difference between isoleucine and threonine. This variant is not present in population databases (ExAC no frequency). This variant has not been reported in the literature in individuals with VPS13B-related conditions. Algorithms developed to predict the effect of missense changes on protein structure and function are either unavailable or do not agree on the potential impact of this missense change (SIFT: "Not Available"; PolyPhen-2: "Benign"; Align-GVGD: "Not Available"). In summary, the available evidence is currently insufficient to determine the role of this variant in disease. Therefore, it has been classified as a Variant of Uncertain Significance.

NM_152564.5(VPS13B):c.5735T>C (p.Ile1912Thr)

Gene: VPS13B (vacuolar protein sorting 13 homolog B; plus strand). Cytogenetic location: 8q22.2.
Variant type: single nucleotide variant.
Coding change: c.5735T>C on transcript NM_152564.5 (MANE Select); coding-DNA position 5735, T replaced by C.
Protein change: p.Ile1912Thr; replaces isoleucine 1912 with threonine.
Molecular consequence: missense variant.
Genome position (GRCh38, 1-based): chr8:99,642,325, T>C. VCF-style: chr8-99642325-T-C. GRCh37 (hg19) VCF-style: chr8-100654553-T-C.
Other names: c.5810T>C, p.Ile1937Thr (NM_017890.5); short protein forms I1912T, I1937T.
Identifiers: ClinVar variation 1047512 (VCV001047512.7), dbSNP rs1829403156, ClinGen allele CA371873194.